The following is an entry in ClinVar:

ClinVar aggregate classification (germline): Likely benign. Review status: criteria provided, multiple submitters, no conflicts (2 of 4 stars). 2 submissions from 2 submitters: Likely benign (2). Last evaluated 2018-08-15.

Conditions:
Hereditary spastic paraplegia 7 (SPG7). Also called: SPG7-related neurologic disorder; Autosomal recessive spastic paraplegia type 7; SPASTIC PARAPLEGIA 7, AUTOSOMAL RECESSIVE, WITH OR WITHOUT CEREBELLAR ATAXIA; Spastic paraplegia 7; Hereditary spastic paraplegia Paraplegin type. Identifiers: Orphanet 99013, MedGen C1846564, MONDO:0011803, OMIM 607259.

Allele frequency attached by ClinVar (database versions not stated): gnomAD exomes 0.00118; gnomAD 0.01038 and 0.01111; TOPMed 0.01234; 1000 Genomes Project 0.01278; 1000 Genomes Project 30x 0.01280.
gnomAD v4.1: 2,126 of 596,226 alleles (0.36%); highest among the groups gnomAD compares: African/African-American, 3.6%; 36 homozygotes.

Submissions (2):

GeneDx
Classification: Likely benign. Last evaluated: 2018-08-15. Review status: criteria provided, single submitter. Criteria: GeneDx Variant Classification Process June 2021. Collection method: clinical testing. Allele origin: germline. Affected: yes.

Illumina Laboratory Services, Illumina
Classification: Likely benign for Hereditary spastic paraplegia 7. Last evaluated: 2018-01-13. Review status: criteria provided, single submitter. Criteria: ICSL Variant Classification Criteria 13 December 2019. Collection method: clinical testing. Allele origin: germline.
Comment: This variant was observed in the ICSL laboratory as part of a predisposition screen in an ostensibly healthy population. It had not been previously curated by ICSL or reported in the Human Gene Mutation Database (HGMD: prior to June 1st, 2018), and was therefore a candidate for classification through an automated scoring system. Utilizing variant allele frequency, disease prevalence and penetrance estimates, and inheritance mode, an automated score was calculated to assess if this variant is too frequent to cause the disease. Based on the score and internal cut-off values, a variant classified as likely benign is not then subjected to further curation. The score for this variant resulted in a classification of likely benign for this disease.

NM_003119.4(SPG7):c.*195C>T

Gene: SPG7 (SPG7 matrix AAA peptidase subunit, paraplegin; plus strand). Cytogenetic location: 16q24.3.
Variant type: single nucleotide variant.
Coding change: c.*195C>T on transcript NM_003119.4 (MANE Select); 195 bases downstream of the stop codon, C replaced by T.
Molecular consequence: 3 prime UTR variant.
Genome position (GRCh38, 1-based): chr16:89,557,288, C>T. VCF-style: chr16-89557288-C-T. GRCh37 (hg19) VCF-style: chr16-89623696-C-T.
Other names: c.*361C>T (NM_001363850.1).
Identifiers: ClinVar variation 321293 (VCV000321293.8), dbSNP rs113818240, ClinGen allele CA10649296.